The following is an entry in ClinVar:

ClinVar aggregate classification (germline): Uncertain significance (1 of 4 stars; one submission).

gnomAD v4.1: 2 of 1,612,942 alleles (0.00012%); highest among the groups gnomAD compares: Non-Finnish European, 0.000085%; no homozygotes.

Submission:

Ambry Genetics
Classification: Uncertain significance. Last evaluated: 2024-05-26. Review status: criteria provided, single submitter. Criteria: Ambry Variant Classification Scheme 2023. Collection method: clinical testing. Allele origin: germline.
Comment: The p.C471R variant (also known as c.1411T>C), located in coding exon 11 of the RECQL gene, results from a T to C substitution at nucleotide position 1411. The cysteine at codon 471 is replaced by arginine, an amino acid with highly dissimilar properties. This amino acid position is conserved. In addition, this alteration is predicted to be deleterious by in silico analysis. Based on the available evidence, the clinical significance of this variant remains unclear.

NM_002907.4(RECQL):c.1411T>C (p.Cys471Arg)

Gene: RECQL (RecQ like helicase; minus strand). Cytogenetic location: 12p12.1.
Variant type: single nucleotide variant.
Coding change: c.1411T>C on transcript NM_002907.4 (MANE Select); coding-DNA position 1411, T replaced by C.
Protein change: p.Cys471Arg; replaces cysteine 471 with arginine.
Molecular consequence: missense variant.
Genome position (GRCh38, 1-based): chr12:21,473,587, A>G on the plus strand (T>C on the coding strand, the complement: RECQL is on the minus strand). VCF-style: chr12-21473587-A-G. GRCh37 (hg19) VCF-style: chr12-21626521-A-G.
Other names: c.1411T>C, p.Cys471Arg (NM_032941.3); short protein forms C471R.
Identifiers: ClinVar variation 3313525 (VCV003313525.1).